The following is an entry in ClinVar:

NM_004360.5(CDH1):c.1820C>G (p.Pro607Arg)

Gene: CDH1 (cadherin 1; plus strand). Cytogenetic location: 16q22.1.
Variant type: single nucleotide variant.
Coding change: c.1820C>G on transcript NM_004360.5 (MANE Select); coding-DNA position 1820, C replaced by G.
Protein change: p.Pro607Arg; replaces proline 607 with arginine.
Molecular consequence: missense variant. On other transcripts: 5 prime UTR variant (1).
Genome position (GRCh38, 1-based): chr16:68,822,109, C>G. VCF-style: chr16-68822109-C-G. GRCh37 (hg19) VCF-style: chr16-68856012-C-G.
Other names: c.1637C>G, p.Pro546Arg (NM_001317184.2); c.272C>G, p.Pro91Arg (NM_001317185.2); c.-146C>G (NM_001317186.2); short protein forms P546R, P91R, P607R.
Identifiers: ClinVar variation 1477526 (VCV001477526.8), dbSNP rs2152138374, ClinGen allele CA396466839.

ClinVar aggregate classification (germline): Uncertain significance. Review status: criteria provided, multiple submitters, no conflicts (2 of 4 stars). 3 submissions from 3 submitters: Uncertain significance (3). Last evaluated 2026-05-04.

Conditions:
Hereditary cancer-predisposing syndrome. Also called: Hereditary Cancer Syndrome; Hereditary neoplastic syndrome; Neoplastic Syndromes, Hereditary; Tumor predisposition. Identifiers: Orphanet 140162, MedGen C0027672, MeSH D009386, MONDO:0015356.
Hereditary diffuse gastric adenocarcinoma (HDGC). Also called: DIFFUSE GASTRIC AND LOBULAR BREAST CANCER SYNDROME. Identifiers: Orphanet 26106, MedGen C1708349, MONDO:0007648, OMIM 137215.
CDH1-related diffuse gastric and lobular breast cancer syndrome. Also called: CDH1-related diffuse gastric and lobular breast cancer. Identifiers: MedGen CN311521, MONDO:0100488.

Submissions (3):

Hema, HEMA – Genetic and Molecular Diagnostic Laboratory
Classification: Uncertain significance for CDH1-related diffuse gastric and lobular breast cancer syndrome. Last evaluated: 2026-05-04. Review status: criteria provided, single submitter. Criteria: HEMA Variant Classification Assertion Criteria. Collection method: clinical testing. Allele origin: germline.
Comment: The c.1820C>G p.(Pro607Arg) variant is a transversion from cytosine to guanine, resulting in the substitution of proline 607 with arginine. PM2_Supporting: Absent in the gnomAD v4.1.1 database.

Color Diagnostics, LLC DBA Color Health
Classification: Uncertain significance for Hereditary cancer-predisposing syndrome. Last evaluated: 2024-05-22. Review status: criteria provided, single submitter. Criteria: ACMG Guidelines, 2015. Collection method: clinical testing. Allele origin: germline.
Comment: This missense variant replaces proline with arginine at codon 607 of the CDH1 protein. To our knowledge, functional studies have not been reported for this variant. This variant has not been reported in individuals affected with CDH1-related disorders in the literature. This variant has not been identified in the general population by the Genome Aggregation Database (gnomAD). The available evidence is insufficient to determine the role of this variant in disease conclusively. Therefore, this variant is classified as a Variant of Uncertain Significance.

Labcorp Genetics (formerly Invitae), Labcorp
Classification: Uncertain significance for Hereditary diffuse gastric adenocarcinoma. Last evaluated: 2021-11-09. Review status: criteria provided, single submitter. Criteria: Invitae Variant Classification Sherloc (09022015). Collection method: clinical testing. Allele origin: germline.
Comment: This sequence change replaces proline, which is neutral and non-polar, with arginine, which is basic and polar, at codon 607 of the CDH1 protein (p.Pro607Arg). This variant is not present in population databases (gnomAD no frequency). This variant has not been reported in the literature in individuals affected with CDH1-related conditions. Algorithms developed to predict the effect of missense changes on protein structure and function are either unavailable or do not agree on the potential impact of this missense change (SIFT: "Deleterious"; PolyPhen-2: "Probably Damaging"; Align-GVGD: "Class C0"). In summary, the available evidence is currently insufficient to determine the role of this variant in disease. Therefore, it has been classified as a Variant of Uncertain Significance.